The following is an entry in ClinVar:

NM_004304.5(ALK):c.2906C>T (p.Ala969Val)

Gene: ALK (ALK receptor tyrosine kinase; minus strand). Cytogenetic location: 2p23.2.
Variant type: single nucleotide variant.
Coding change: c.2906C>T on transcript NM_004304.5 (MANE Select); coding-DNA position 2906, C replaced by T.
Protein change: p.Ala969Val; replaces alanine 969 with valine.
Molecular consequence: missense variant.
Genome position (GRCh38, 1-based): chr2:29,227,582, G>A on the plus strand (C>T on the coding strand, the complement: ALK is on the minus strand). VCF-style: chr2-29227582-G-A. GRCh37 (hg19) VCF-style: chr2-29450448-G-A.
Other names: short protein forms A969V.
Identifiers: ClinVar variation 1797515 (VCV001797515.2), dbSNP rs954019663, ClinGen allele CA346468303.

ClinVar aggregate classification (germline): Uncertain significance (1 of 4 stars; one submission).

Conditions:
Hereditary cancer-predisposing syndrome. Also called: Neoplastic Syndromes, Hereditary; Tumor predisposition; Hereditary Cancer Syndrome; Hereditary neoplastic syndrome. Identifiers: Orphanet 140162, MedGen C0027672, MeSH D009386, MONDO:0015356.

gnomAD v4.1: 1 of 1,613,544 alleles (0.000062%); highest among the groups gnomAD compares: Non-Finnish European, 0.000085%; no homozygotes.

Submission:

Ambry Genetics
Classification: Uncertain significance for Hereditary cancer-predisposing syndrome. Last evaluated: 2022-07-29. Review status: criteria provided, single submitter. Criteria: Ambry Variant Classification Scheme 2023. Collection method: clinical testing. Allele origin: germline.
Comment: The p.A969V variant (also known as c.2906C>T), located in coding exon 17 of the ALK gene, results from a C to T substitution at nucleotide position 2906. The alanine at codon 969 is replaced by valine, an amino acid with similar properties. This amino acid position is conserved. In addition, the in silico prediction for this alteration is inconclusive. Since supporting evidence is limited at this time, the clinical significance of this alteration remains unclear.